The following is an entry in ClinVar:

ClinVar aggregate classification (germline): Uncertain significance (1 of 4 stars; one submission).

Submission:

Labcorp Genetics (formerly Invitae), Labcorp
Classification: Uncertain significance. Last evaluated: 2023-09-30. Review status: criteria provided, single submitter. Criteria: Invitae Variant Classification Sherloc (09022015). Collection method: clinical testing. Allele origin: germline.
Comment: This sequence change affects codon 979 of the HYOU1 mRNA. It is a 'silent' change, meaning that it does not change the encoded amino acid sequence of the HYOU1 protein. It affects a nucleotide within the consensus splice site. In summary, the available evidence is currently insufficient to determine the role of this variant in disease. Therefore, it has been classified as a Variant of Uncertain Significance. This variant has not been reported in the literature in individuals affected with HYOU1-related conditions. This variant is not present in population databases (gnomAD no frequency).

NM_006389.5(HYOU1):c.2937A>T (p.Ala979=)

Gene: HYOU1 (hypoxia up-regulated 1; minus strand). Cytogenetic location: 11q23.3.
Variant type: single nucleotide variant.
Coding change: c.2937A>T on transcript NM_006389.5 (MANE Select); coding-DNA position 2937, A replaced by T.
Protein change: p.Ala979=; no amino-acid change (alanine 979 retained).
Molecular consequence: synonymous variant.
Genome position (GRCh38, 1-based): chr11:119,045,782, T>A on the plus strand (A>T on the coding strand, the complement: HYOU1 is on the minus strand). VCF-style: chr11-119045782-T-A. GRCh37 (hg19) VCF-style: chr11-118916494-T-A.
Other names: c.2937A>T, p.Ala979= (NM_001130991.3); c.2940A>T, p.Ala980= (NM_001411041.1).
Identifiers: ClinVar variation 2764693 (VCV002764693.3), dbSNP rs1241039925, ClinGen allele CA2697559037.